The following is an entry in ClinVar:

ClinVar aggregate classification (germline): Likely pathogenic (1 of 4 stars; one submission).

Conditions:
Early-infantile DEE. Also called: Early infantile epileptic encephalopathy; Ohtahara syndrome; Early infantile epileptic encephalopathy with suppression bursts. Identifiers: Orphanet 1934, MedGen C0393706, MONDO:0800491.

Submission:

Labcorp Genetics (formerly Invitae), Labcorp
Classification: Likely pathogenic for Early-infantile DEE. Last evaluated: 2022-11-29. Review status: criteria provided, single submitter. Criteria: Invitae Variant Classification Sherloc (09022015). Collection method: clinical testing. Allele origin: germline.
Comment: This sequence change replaces threonine, which is neutral and polar, with asparagine, which is neutral and polar, at codon 277 of the KCNQ2 protein (p.Thr277Asn). This variant is not present in population databases (gnomAD no frequency). This missense change has been observed in individual(s) with clinical features of KCNQ2-related conditions (Invitae). ClinVar contains an entry for this variant (Variation ID: 665007). Advanced modeling of protein sequence and biophysical properties (such as structural, functional, and spatial information, amino acid conservation, physicochemical variation, residue mobility, and thermodynamic stability) performed at Invitae indicates that this missense variant is expected to disrupt KCNQ2 protein function. This variant disrupts the p.Thr277 amino acid residue in KCNQ2. Other variant(s) that disrupt this residue have been determined to be pathogenic (PMID: 30182498). This suggests that this residue is clinically significant, and that variants that disrupt this residue are likely to be disease-causing. In summary, the currently available evidence indicates that the variant is pathogenic, but additional data are needed to prove that conclusively. Therefore, this variant has been classified as Likely Pathogenic.

Literature cited by the submitters: PubMed 30182498.

NM_172107.4(KCNQ2):c.830C>A (p.Thr277Asn)

Gene: KCNQ2 (potassium voltage-gated channel subfamily Q member 2; minus strand). Cytogenetic location: 20q13.33.
Variant type: single nucleotide variant.
Coding change: c.830C>A on transcript NM_172107.4 (MANE Select); coding-DNA position 830, C replaced by A.
Protein change: p.Thr277Asn; replaces threonine 277 with asparagine.
Molecular consequence: missense variant.
Genome position (GRCh38, 1-based): chr20:63,439,695, G>T on the plus strand (C>A on the coding strand, the complement: KCNQ2 is on the minus strand). VCF-style: chr20-63439695-G-T. GRCh37 (hg19) VCF-style: chr20-62071048-G-T.
Other names: c.830C>A, p.Thr277Asn (NM_004518.6, NM_172106.3, NM_172108.5 and 1 more transcripts); short protein forms T277N.
Identifiers: ClinVar variation 665007 (VCV000665007.9), dbSNP rs1600755607, ClinGen allele CA409652736.